The following is an entry in ClinVar:

NM_002029.4(FPR1):c.546C>A (p.Pro182=)

Gene: FPR1 (formyl peptide receptor 1; minus strand). Cytogenetic location: 19q13.41.
Variant type: single nucleotide variant.
Coding change: c.546C>A on transcript NM_002029.4 (MANE Select); coding-DNA position 546, C replaced by A.
Protein change: p.Pro182=; no amino-acid change (proline 182 retained).
Molecular consequence: synonymous variant.
Genome position (GRCh38, 1-based): chr19:51,746,449, G>T on the plus strand (C>A on the coding strand, the complement: FPR1 is on the minus strand). VCF-style: chr19-51746449-G-T. GRCh37 (hg19) VCF-style: chr19-52249702-G-T.
Other names: c.546C>A, p.Pro182= (NM_001193306.2).
Identifiers: ClinVar variation 402877 (VCV000402877.17), dbSNP rs2070746, ClinGen allele CA9616439.

ClinVar aggregate classification (germline): Benign. Review status: criteria provided, multiple submitters, no conflicts (2 of 4 stars). 3 submissions from 3 submitters: Benign (3). Last evaluated 2026-02-04.

Conditions:
Gingival disorder. Also called: Gingival disease. Identifiers: MedGen C0017563, MONDO:0002021.

Allele frequency attached by ClinVar (database versions not stated): ESP Exome Variant Server 0.28910; gnomAD 0.30428 and 0.30900; TOPMed 0.31767; ExAC 0.32854; gnomAD exomes 0.33847; 1000 Genomes Project 0.35104; 1000 Genomes Project 30x 0.35337.
gnomAD v4.1: 484,008 of 1,613,844 alleles (30%); highest among the groups gnomAD compares: East Asian, 48%; 74,947 homozygotes.

Submissions (3):

Labcorp Genetics (formerly Invitae), Labcorp
Classification: Benign for Gingival disorder. Last evaluated: 2026-02-04. Review status: criteria provided, single submitter. Criteria: Invitae Variant Classification Sherloc (09022015). Collection method: clinical testing. Allele origin: germline.

Laboratory for Molecular Medicine, Mass General Brigham Personalized Medicine
Classification: Benign. Last evaluated: 2016-03-28. Review status: criteria provided, single submitter. Criteria: LMM Criteria. Collection method: clinical testing. Allele origin: germline.
Comment: Variant identified in a genome or exome case(s) and assessed due to predicted null impact of the variant or pathogenic assertions in the literature or databases. Disclaimer: This variant has not undergone full assessment. The following are preliminary notes: Frequency

Breakthrough Genomics
Classification: Benign. Review status: criteria provided, single submitter. Criteria: ACMG Guidelines, 2015. Collection method: not provided. Allele origin: germline. Inheritance: Unknown mechanism. Affected: yes.